The following is an entry in ClinVar:

NM_000181.4(GUSB):c.1391+5G>A

Gene: GUSB (glucuronidase beta; minus strand). Cytogenetic location: 7q11.21.
Variant type: single nucleotide variant.
Coding change: c.1391+5G>A on transcript NM_000181.4 (MANE Select); 5 bases into the intron after coding-DNA position 1391, G replaced by A.
Molecular consequence: intron variant.
Genome position (GRCh38, 1-based): chr7:65,974,290, C>T on the plus strand (G>A on the coding strand, the complement: GUSB is on the minus strand). VCF-style: chr7-65974290-C-T. GRCh37 (hg19) VCF-style: chr7-65439277-C-T.
Other names: c.734+5G>A (NM_001293105.2); c.821+5G>A (NM_001293104.2); c.953+5G>A (NM_001284290.2).
Identifiers: ClinVar variation 2041260 (VCV002041260.3), dbSNP rs768780031, ClinGen allele CA4276294.

ClinVar aggregate classification (germline): Uncertain significance. Review status: criteria provided, multiple submitters, no conflicts (2 of 4 stars). 2 submissions from 2 submitters: Uncertain significance (2). Last evaluated 2024-10-26.

Conditions:
Mucopolysaccharidosis type 7 (MPS7). Also called: GUSB DEFICIENCY; SLY SYNDROME; MPS VII; BETA-GLUCURONIDASE DEFICIENCY. Identifiers: Orphanet 584, MedGen C0085132, MONDO:0009662, OMIM 253220.

Allele frequency attached by ClinVar (database versions not stated): ExAC 0.00002; gnomAD 0.00009; TOPMed 0.00013.
gnomAD v4.1: 23 of 1,613,908 alleles (0.0014%); highest among the groups gnomAD compares: African/African-American, 0.031%; no homozygotes.

Submissions (2):

Labcorp Genetics (formerly Invitae), Labcorp
Classification: Uncertain significance for Mucopolysaccharidosis type 7. Last evaluated: 2024-10-26. Review status: criteria provided, single submitter. Criteria: Invitae Variant Classification Sherloc (09022015). Collection method: clinical testing. Allele origin: germline.
Comment: This sequence change falls in intron 8 of the GUSB gene. It does not directly change the encoded amino acid sequence of the GUSB protein. It affects a nucleotide within the consensus splice site. The frequency data for this variant in the population databases is considered unreliable, as metrics indicate poor data quality at this position in the gnomAD database. This variant has not been reported in the literature in individuals affected with GUSB-related conditions. ClinVar contains an entry for this variant (Variation ID: 2041260). Variants that disrupt the consensus splice site are a relatively common cause of aberrant splicing (PMID: 17576681, 9536098). Algorithms developed to predict the effect of sequence changes on RNA splicing suggest that this variant may disrupt the consensus splice site. In summary, the available evidence is currently insufficient to determine the role of this variant in disease. Therefore, it has been classified as a Variant of Uncertain Significance.

Women's Health and Genetics/Laboratory Corporation of America, LabCorp
Classification: Uncertain significance. Last evaluated: 2024-04-21. Review status: criteria provided, single submitter. Criteria: LabCorp Variant Classification Summary - May 2015. Collection method: clinical testing. Allele origin: germline.

Literature cited by the submitters: PubMed 17576681 (cited by Labcorp Genetics (formerly Invitae), Labcorp); PubMed 9536098 (cited by Labcorp Genetics (formerly Invitae), Labcorp).